The following is an entry in ClinVar:

NM_015046.7(SETX):c.3663G>C (p.Lys1221Asn)

Gene: SETX (senataxin; minus strand). Cytogenetic location: 9q34.13.
Variant type: single nucleotide variant.
Coding change: c.3663G>C on transcript NM_015046.7 (MANE Select); coding-DNA position 3663, G replaced by C.
Protein change: p.Lys1221Asn; replaces lysine 1221 with asparagine.
Molecular consequence: missense variant.
Genome position (GRCh38, 1-based): chr9:132,327,935, C>G on the plus strand (G>C on the coding strand, the complement: SETX is on the minus strand). VCF-style: chr9-132327935-C-G. GRCh37 (hg19) VCF-style: chr9-135203322-C-G.
Other names: p.Lys1221Asn; c.3663G>C, p.Lys1221Asn (NM_001351527.2, NM_001351528.2); short protein forms K1221N.
Identifiers: ClinVar variation 468501 (VCV000468501.53), dbSNP rs12344006, ClinGen allele CA5297350.
Genomic context (GRCh38, chr9:132,327,935, plus strand): 5'-GGTCTTAGAAACTGGAACTTTCCTGATGGGTTCTGTACAAGTACAAAGCTTTGAAGACTT[C>G]TTTTGTGAAACCGTAGTGGCTCTCTGAATACGTGAATTGGGAGTTGAAGTCCTTCTATCA-3'
Protein context (NP_055861.3, residues 1211-1231): RIQRATTVSQ[Lys1221Asn]KSSKLCTCTE

ClinVar aggregate classification (germline): Benign/Likely benign. Review status: criteria provided, multiple submitters, no conflicts (2 of 4 stars). 14 submissions from 12 submitters: Benign (6); Likely benign (4). 4 of the submissions do not count toward it. Last evaluated 2025-12-15.

Conditions:
Amyotrophic lateral sclerosis type 4 (ALS4). Also called: AMYOTROPHIC LATERAL SCLEROSIS 4, JUVENILE; NEURONOPATHY, DISTAL HEREDITARY MOTOR, WITH PYRAMIDAL FEATURES. Identifiers: Orphanet 357043, MedGen C1865409, MONDO:0011223, OMIM 602433.
Spinocerebellar ataxia, autosomal recessive, with axonal neuropathy 2 (SCAN2). Also called: Ataxia-ocular apraxia-2; Ataxia with Oculomotor Apraxia; Ataxia with Oculomotor Apraxia Type 2; ATAXIA-OCULOMOTOR APRAXIA 2. Identifiers: Orphanet 64753, MedGen C1853761, MONDO:0018996, OMIM 606002.
SETX-related disorder. Also called: SETX-related condition; SETX-related disorders. Identifiers: MedGen CN239403.

Allele frequency attached by ClinVar (database versions not stated): gnomAD 0.00398 and 0.00412; TOPMed 0.00447; ESP Exome Variant Server 0.00492; 1000 Genomes Project 30x 0.00609; 1000 Genomes Project 0.00639.
gnomAD v4.1: 1,220 of 1,614,068 alleles (0.076%); highest among the groups gnomAD compares: African/African-American, 1.4%; 12 homozygotes.

Submissions (14):

Labcorp Genetics (formerly Invitae), Labcorp
Classification: Benign for Amyotrophic lateral sclerosis type 4; Spinocerebellar ataxia, autosomal recessive, with axonal neuropathy 2. Last evaluated: 2025-12-15. Review status: criteria provided, single submitter. Criteria: Invitae Variant Classification Sherloc (09022015). Collection method: clinical testing. Allele origin: germline.

GeneDx
Classification: Likely benign. Last evaluated: 2025-03-17. Review status: criteria provided, single submitter. Criteria: GeneDx Variant Classification Process June 2021. Collection method: clinical testing. Allele origin: germline. Affected: yes.
Comment: See Variant Classification Assertion Criteria.

Blueprint Genetics
Classification: Likely benign. Last evaluated: 2024-10-17. Review status: criteria provided, single submitter. Criteria: ACMG Guidelines, 2015. Collection method: clinical testing. Allele origin: germline.

Mayo Clinic Laboratories, Mayo Clinic
Classification: Benign. Last evaluated: 2024-08-20. Review status: criteria provided, single submitter. Criteria: ACMG Guidelines, 2015. Collection method: clinical testing. Allele origin: germline. Observed: 4 variant alleles.
Comment: BS1, BS2, BP4

CeGaT Center for Human Genetics Tuebingen
Classification: Benign. Last evaluated: 2023-10-01. Review status: criteria provided, single submitter. Criteria: CeGaT Center For Human Genetics Tuebingen Variant Classification Criteria Version 2. Collection method: clinical testing. Allele origin: germline. Affected: yes. Observed: 2 variant alleles.
Comment: SETX: BP4, BS1, BS2

Genome-Nilou Lab
Classification: Likely benign for Spinocerebellar ataxia, autosomal recessive, with axonal neuropathy 2. Last evaluated: 2023-02-08. Review status: criteria provided, single submitter. Criteria: ACMG Guidelines, 2015. Collection method: clinical testing. Allele origin: germline.

Genome-Nilou Lab
Classification: Likely benign for Amyotrophic lateral sclerosis type 4. Last evaluated: 2023-02-08. Review status: criteria provided, single submitter. Criteria: ACMG Guidelines, 2015. Collection method: clinical testing. Allele origin: germline.

Athena Diagnostics
Classification: Benign. Last evaluated: 2019-04-26. Review status: criteria provided, single submitter. Criteria: Athena Diagnostics Criteria. Collection method: clinical testing. Allele origin: germline.

Illumina Laboratory Services, Illumina
Classification: Benign for Amyotrophic lateral sclerosis type 4. Last evaluated: 2018-01-13. Review status: criteria provided, single submitter. Criteria: ICSL Variant Classification Criteria 13 December 2019. Collection method: clinical testing. Allele origin: germline.
Comment: This variant was observed in the ICSL laboratory as part of a predisposition screen in an ostensibly healthy population. It had not been previously curated by ICSL or reported in the Human Gene Mutation Database (HGMD: prior to June 1st, 2018), and was therefore a candidate for classification through an automated scoring system. Utilizing variant allele frequency, disease prevalence and penetrance estimates, and inheritance mode, an automated score was calculated to assess if this variant is too frequent to cause the disease. Based on the score and internal cut-off values, a variant classified as benign is not then subjected to further curation. The score for this variant resulted in a classification of benign for this disease.

Illumina Laboratory Services, Illumina
Classification: Benign for Spinocerebellar ataxia, autosomal recessive, with axonal neuropathy 2. Last evaluated: 2018-01-13. Review status: criteria provided, single submitter. Criteria: ICSL Variant Classification Criteria 13 December 2019. Collection method: clinical testing. Allele origin: germline.
Comment: the same text as in the submission from Illumina Laboratory Services, Illumina above.

PreventionGenetics, part of Exact Sciences
Classification: Benign for SETX-related condition. Last evaluated: 2020-02-20. Review status: no assertion criteria provided. Collection method: clinical testing. Allele origin: germline. Not counted in ClinVar's aggregate classification.
Comment: This variant is classified as benign based on ACMG/AMP sequence variant interpretation guidelines (Richards et al. 2015 PMID: 25741868, with internal and published modifications).

Clinical Genetics DNA and cytogenetics Diagnostics Lab, Erasmus MC, Erasmus Medical Center
Classification: Benign. Review status: no assertion criteria provided. Collection method: clinical testing. Allele origin: germline. Affected: yes. Study: VKGL Data-share Consensus. Not counted in ClinVar's aggregate classification.

Clinical Genetics, Academic Medical Center
Classification: Benign. Review status: no assertion criteria provided. Collection method: clinical testing. Allele origin: germline. Affected: yes. Study: VKGL Data-share Consensus. Not counted in ClinVar's aggregate classification.

Genome Diagnostics Laboratory, University Medical Center Utrecht
Classification: Benign. Review status: no assertion criteria provided. Collection method: clinical testing. Allele origin: germline. Affected: yes. Study: VKGL Data-share Consensus. Not counted in ClinVar's aggregate classification.

Literature cited by the submitters: PubMed 20540686 (cited by Mayo Clinic Laboratories, Mayo Clinic and Athena Diagnostics).